The following is an entry in ClinVar:

ClinVar aggregate classification (germline): Uncertain significance (1 of 4 stars; one submission).

Conditions:
Inborn genetic diseases. Identifiers: MedGen C0950123, MeSH D030342.

Submission:

Ambry Genetics
Classification: Uncertain significance for Inborn genetic diseases. Last evaluated: 2025-08-01. Review status: criteria provided, single submitter. Criteria: Ambry Variant Classification Scheme 2023. Collection method: clinical testing. Allele origin: germline.
Comment: The p.G1518R variant (also known as c.4552G>C), located in coding exon 13 of the ASXL1 gene, results from a G to C substitution at nucleotide position 4552. The glycine at codon 1518 is replaced by arginine, an amino acid with dissimilar properties. This amino acid position is conserved. In addition, the in silico prediction for this alteration is inconclusive. Based on the available evidence, the clinical significance of this variant remains unclear.

NM_015338.6(ASXL1):c.4552G>C (p.Gly1518Arg)

Gene: ASXL1 (ASXL transcriptional regulator 1; plus strand). Cytogenetic location: 20q11.21.
Variant type: single nucleotide variant.
Coding change: c.4552G>C on transcript NM_015338.6 (MANE Select); coding-DNA position 4552, G replaced by C.
Protein change: p.Gly1518Arg; replaces glycine 1518 with arginine.
Molecular consequence: missense variant.
Genome position (GRCh38, 1-based): chr20:32,437,264, G>C. VCF-style: chr20-32437264-G-C. GRCh37 (hg19) VCF-style: chr20-31025067-G-C.
Other names: c.4369G>C, p.Gly1457Arg (NM_001363734.1); short protein forms G1518R, G1457R.
Identifiers: ClinVar variation 4158464 (VCV004158464.1).
Genomic context (GRCh38, chr20:32,437,264, plus strand): 5'-ACGGTGGAAAGCATCTCGCTCCAGTGTGCGTGCAGCCTGAAAGCCATGATCATGTGCCAA[G>C]GCTGCGGTGCGTTCTGTCACGATGACTGTATTGGACCCTCAAAGCTCTGTGTATTGTGCC-3'
Protein context (NP_056153.2, residues 1508-1528): CSLKAMIMCQ[Gly1518Arg]CGAFCHDDCI